The following is an entry in ClinVar:

ClinVar aggregate classification (germline): Conflicting classifications of pathogenicity. Review status: criteria provided, conflicting classifications (1 of 4 stars). 6 submissions from 6 submitters: Uncertain significance (3); Likely benign (3). Last evaluated 2026-01-26.

Conditions:
Cardiovascular phenotype. Identifiers: MedGen CN230736.
Hereditary cancer-predisposing syndrome. Also called: Hereditary neoplastic syndrome; Tumor predisposition; Neoplastic Syndromes, Hereditary; Hereditary Cancer Syndrome. Identifiers: Orphanet 140162, MedGen C0027672, MeSH D009386, MONDO:0015356.
Neurofibromatosis, type 1 (NF1). Also called: Peripheral type neurofibromatosis; NEUROFIBROMATOSIS, TYPE I, SOMATIC; Neurofibromatosis, type I; VON RECKLINGHAUSEN DISEASE. Identifiers: Orphanet 636, MedGen C0027831, MONDO:0018975, OMIM 162200. Disease mechanism: loss of function.
Neurofibromatosis-Noonan syndrome (NFNS). Also called: NEUROFIBROMATOSIS WITH NOONAN PHENOTYPE. Identifiers: Orphanet 638, MedGen C2931482, MONDO:0011035, OMIM 601321. Disease mechanism: loss of function.
Neurofibromatosis, familial spinal (FSNF). Identifiers: Orphanet 636, MedGen C1834235, MONDO:0008078, OMIM 162210. Disease mechanism: loss of function.
Café-au-lait macules with pulmonary stenosis (WTSN). Also called: PULMONIC STENOSIS WITH CAFE-AU-LAIT SPOTS. Identifiers: MedGen C0553586, MONDO:0008672, OMIM 193520.
Juvenile myelomonocytic leukemia (JMML). Also called: LEUKEMIA, JUVENILE MYELOMONOCYTIC, SOMATIC. Identifiers: Orphanet 86834, MedGen C0349639, MONDO:0011908, OMIM 607785, HP:0012209.

Allele frequency attached by ClinVar (database versions not stated): gnomAD exomes 0.00001; TOPMed 0.00001; ExAC 0.00002.
gnomAD v4.1: 15 of 1,613,936 alleles (0.00093%); highest among the groups gnomAD compares: South Asian, 0.0055%; no homozygotes.

Submissions (6):

Labcorp Genetics (formerly Invitae), Labcorp
Classification: Likely benign for Neurofibromatosis, type 1. Last evaluated: 2026-01-26. Review status: criteria provided, single submitter. Criteria: Invitae Variant Classification Sherloc (09022015). Collection method: clinical testing. Allele origin: germline.

Blueprint Genetics
Classification: Likely benign. Last evaluated: 2024-05-30. Review status: criteria provided, single submitter. Criteria: ACMG Guidelines, 2015. Collection method: clinical testing. Allele origin: germline.

Ambry Genetics
Classification: Likely benign for Cardiovascular phenotype; Hereditary cancer-predisposing syndrome. Last evaluated: 2022-04-05. Review status: criteria provided, single submitter. Criteria: Ambry Variant Classification Scheme 2023. Collection method: clinical testing. Allele origin: germline.

Genome-Nilou Lab
Classification: Uncertain significance for Neurofibromatosis, type 1. Last evaluated: 2022-03-15. Review status: criteria provided, single submitter. Criteria: ACMG Guidelines, 2015. Collection method: clinical testing. Allele origin: germline. Affected: no.

Fulgent Genetics
Classification: Uncertain significance for Neurofibromatosis, type 1; Neurofibromatosis, familial spinal; Café-au-lait macules with pulmonary stenosis; Neurofibromatosis-Noonan syndrome; Juvenile myelomonocytic leukemia. Last evaluated: 2022-01-04. Review status: criteria provided, single submitter. Criteria: ACMG Guidelines, 2015. Collection method: clinical testing. Allele origin: unknown.

Genetic Services Laboratory, University of Chicago
Classification: Uncertain significance. Last evaluated: 2020-01-08. Review status: criteria provided, single submitter. Criteria: ACMG Guidelines, 2015. Collection method: clinical testing. Allele origin: germline. Affected: no.
Comment: DNA sequence analysis of the NF1 gene demonstrated a sequence change, c.7471G>A, in exon 50 that results in an amino acid change, p.Gly2491Ser. This sequence change has been described in the gnomAD database in three individuals (dbSNP rs766496842). The p.Gly2491Ser change has been identified in one individual with breast cancer (PMID: 30287823). The p.Gly2491Ser change affects a moderately conserved amino acid residue located in a domain of the NF1 protein that is known to be functional. In-silico pathogenicity prediction tools (SIFT, PolyPhen2, Align GVGD, REVEL) provide contradictory results for the p.Gly2491Ser substitution. Due to these contrasting evidences and the lack of functional studies, the clinical significance of the p.Gly2491Ser change remains unknown at this time.

NM_001042492.3(NF1):c.7534G>A (p.Gly2512Ser)

Gene: NF1 (neurofibromin 1; plus strand). Cytogenetic location: 17q11.2.
Variant type: single nucleotide variant.
Coding change: c.7534G>A on transcript NM_001042492.3 (MANE Select); coding-DNA position 7534, G replaced by A.
Protein change: p.Gly2512Ser; replaces glycine 2512 with serine.
Molecular consequence: missense variant.
Genome position (GRCh38, 1-based): chr17:31,352,333, G>A. VCF-style: chr17-31352333-G-A. GRCh37 (hg19) VCF-style: chr17-29679351-G-A.
Other names: c.7471G>A, p.Gly2491Ser (NM_000267.4); short protein forms G2512S, G2491S.
Identifiers: ClinVar variation 527419 (VCV000527419.21), dbSNP rs766496842, ClinGen allele CA8487606.